The following is an entry in ClinVar:

ClinVar aggregate classification (germline): Uncertain significance (1 of 4 stars; one submission).

Conditions:
Hereditary cancer-predisposing syndrome. Also called: Tumor predisposition; Hereditary Cancer Syndrome; Hereditary neoplastic syndrome; Neoplastic Syndromes, Hereditary. Identifiers: Orphanet 140162, MedGen C0027672, MeSH D009386, MONDO:0015356.

Submission:

Ambry Genetics
Classification: Uncertain significance for Hereditary cancer-predisposing syndrome. Last evaluated: 2024-04-11. Review status: criteria provided, single submitter. Criteria: Ambry Variant Classification Scheme 2023. Collection method: clinical testing. Allele origin: germline.
Comment: The p.M305I variant (also known as c.915G>C), located in coding exon 9 of the EPCAM gene, results from a G to C substitution at nucleotide position 915. The methionine at codon 305 is replaced by isoleucine, an amino acid with highly similar properties. This amino acid position is conserved. In addition, the in silico prediction for this alteration is inconclusive. Based on the available evidence, the clinical significance of this variant remains unclear.

NM_002354.3(EPCAM):c.915G>C (p.Met305Ile)

Gene: EPCAM (epithelial cell adhesion molecule; plus strand). Cytogenetic location: 2p21.
Variant type: single nucleotide variant.
Coding change: c.915G>C on transcript NM_002354.3 (MANE Select); coding-DNA position 915, G replaced by C.
Protein change: p.Met305Ile; replaces methionine 305 with isoleucine.
Molecular consequence: missense variant.
Genome position (GRCh38, 1-based): chr2:47,386,583, G>C. VCF-style: chr2-47386583-G-C. GRCh37 (hg19) VCF-style: chr2-47613722-G-C.
Other names: short protein forms M305I.
Identifiers: ClinVar variation 3275833 (VCV003275833.1).